The following is an entry in ClinVar:

ClinVar aggregate classification (germline): Uncertain significance. Review status: criteria provided, multiple submitters, no conflicts (2 of 4 stars). 2 submissions from 2 submitters: Uncertain significance (2). Last evaluated 2024-07-15.

Conditions:
Hereditary cancer-predisposing syndrome. Also called: Tumor predisposition; Hereditary Cancer Syndrome; Hereditary neoplastic syndrome; Neoplastic Syndromes, Hereditary. Identifiers: Orphanet 140162, MedGen C0027672, MeSH D009386, MONDO:0015356.
Mitochondrial complex II deficiency, nuclear type 1. Also called: SUCCINATE CoQ REDUCTASE DEFICIENCY. Identifiers: Orphanet 3208, MedGen C5700310, MONDO:0100294, OMIM 252011.
Pheochromocytoma/paraganglioma syndrome 5. Also called: Paragangliomas 5; SDHA-Related Hereditary Paraganglioma-Pheochromocytoma Syndrome. Identifiers: Orphanet 29072, MedGen C3279992, MONDO:0013602, OMIM 614165.

Submissions (2):

Labcorp Genetics (formerly Invitae), Labcorp
Classification: Uncertain significance for Pheochromocytoma/paraganglioma syndrome 5; Mitochondrial complex II deficiency, nuclear type 1. Last evaluated: 2024-07-15. Review status: criteria provided, single submitter. Criteria: Invitae Variant Classification Sherloc (09022015). Collection method: clinical testing. Allele origin: germline.
Comment: This sequence change affects codon 528 of the SDHA mRNA. It is a 'silent' change, meaning that it does not change the encoded amino acid sequence of the SDHA protein. This variant is not present in population databases (gnomAD no frequency). This variant has not been reported in the literature in individuals affected with SDHA-related conditions. ClinVar contains an entry for this variant (Variation ID: 1775774). Algorithms developed to predict the effect of sequence changes on RNA splicing suggest that this variant may disrupt the consensus splice site. In summary, the available evidence is currently insufficient to determine the role of this variant in disease. Therefore, it has been classified as a Variant of Uncertain Significance.

Ambry Genetics
Classification: Uncertain significance for Hereditary cancer-predisposing syndrome. Last evaluated: 2021-07-23. Review status: criteria provided, single submitter. Criteria: Ambry Variant Classification Scheme 2023. Collection method: clinical testing. Allele origin: germline.
Comment: The c.1584G>A variant (also known as p.V528V), located in coding exon 12 of the SDHA gene, results from a G to A substitution at nucleotide position 1584. This nucleotide substitution does not change the valine at codon 528. This nucleotide position is not well conserved in available vertebrate species. In silico splice site analysis predicts that this alteration will result in the creation or strengthening of a novel splice acceptor site. Since supporting evidence is limited at this time, the clinical significance of this alteration remains unclear.

NM_004168.4(SDHA):c.1584G>A (p.Val528=)

Gene: SDHA (succinate dehydrogenase complex flavoprotein subunit A; plus strand). Cytogenetic location: 5p15.33.
Variant type: single nucleotide variant.
Coding change: c.1584G>A on transcript NM_004168.4 (MANE Select); coding-DNA position 1584, G replaced by A.
Protein change: p.Val528=; no amino-acid change (valine 528 retained).
Molecular consequence: synonymous variant. On other transcripts: intron variant (1).
Genome position (GRCh38, 1-based): chr5:251,024, G>A. VCF-style: chr5-251024-G-A. GRCh37 (hg19) VCF-style: chr5-251139-G-A.
Other names: c.1440G>A, p.Val480= (NM_001294332.2); c.1552-3369G>A (NM_001330758.2).
Identifiers: ClinVar variation 1775774 (VCV001775774.5), dbSNP rs2477454615, ClinGen allele CA442657270.
Genomic context (GRCh38, chr5:251,024, plus strand): 5'-AGTTTACAAATAATATTTTGTGCCACAGTCAATGCAAAATCATGCTGCCGTGTTCCGTGT[G>A]GGAAGCGTGTTGCAAGAAGGTTGTGGGAAAATCAGCAAGCTCTATGGAGACCTAAAGCAC-3'
Protein context (NP_004159.2, residues 518-538): SMQNHAAVFR[Val528=]GSVLQEGCGK